The following is an entry in ClinVar:

NM_000245.4(MET):c.610T>C (p.Ser204Pro)

Gene: MET (MET proto-oncogene, receptor tyrosine kinase; plus strand). Cytogenetic location: 7q31.2.
Variant type: single nucleotide variant.
Coding change: c.610T>C on transcript NM_000245.4 (MANE Select); coding-DNA position 610, T replaced by C.
Protein change: p.Ser204Pro; replaces serine 204 with proline.
Molecular consequence: missense variant. On other transcripts: intron variant (1).
Genome position (GRCh38, 1-based): chr7:116,699,694, T>C. VCF-style: chr7-116699694-T-C. GRCh37 (hg19) VCF-style: chr7-116339748-T-C.
Other names: c.610T>C, p.Ser204Pro (NM_001127500.3, NM_001324401.3); c.-91+27117T>C (NM_001324402.2); c.610T>C (NM_001127500.1); short protein forms S204P.
Identifiers: ClinVar variation 1036075 (VCV001036075.12), dbSNP rs1791492133, ClinGen allele CA368969455.

ClinVar aggregate classification (germline): Uncertain significance. Review status: criteria provided, multiple submitters, no conflicts (2 of 4 stars). 3 submissions from 3 submitters: Uncertain significance (3). Last evaluated 2026-04-29.

Conditions:
Hereditary cancer-predisposing syndrome. Also called: Hereditary neoplastic syndrome; Neoplastic Syndromes, Hereditary; Tumor predisposition; Hereditary Cancer Syndrome. Identifiers: Orphanet 140162, MedGen C0027672, MeSH D009386, MONDO:0015356.
Renal cell carcinoma. Identifiers: Orphanet 217071, MedGen C0007134, MeSH D002292, MONDO:0005086, HP:0005584.

Allele frequency attached by ClinVar (database versions not stated): gnomAD exomes below 0.00001; TOPMed below 0.00001.
gnomAD v4.1: 1 of 1,614,054 alleles (0.000062%); highest among the groups gnomAD compares: Admixed American, 0.0017%; no homozygotes.

Submissions (3):

Ambry Genetics
Classification: Uncertain significance for Hereditary cancer-predisposing syndrome. Last evaluated: 2026-04-29. Review status: criteria provided, single submitter. Criteria: Ambry Variant Classification Scheme 2023. Collection method: clinical testing. Allele origin: germline.
Comment: The p.S204P variant (also known as c.610T>C), located in coding exon 1 of the MET gene, results from a T to C substitution at nucleotide position 610. The serine at codon 204 is replaced by proline, an amino acid with similar properties. This amino acid position is well conserved in available vertebrate species. In addition, this alteration is predicted to be tolerated by in silico analysis. Based on the available evidence, the clinical significance of this variant remains unclear.

Labcorp Genetics (formerly Invitae), Labcorp
Classification: Uncertain significance for Renal cell carcinoma. Last evaluated: 2025-06-09. Review status: criteria provided, single submitter. Criteria: Invitae Variant Classification Sherloc (09022015). Collection method: clinical testing. Allele origin: germline.
Comment: This sequence change replaces serine, which is neutral and polar, with proline, which is neutral and non-polar, at codon 204 of the MET protein (p.Ser204Pro). This variant is not present in population databases (gnomAD no frequency). This variant has not been reported in the literature in individuals affected with MET-related conditions. ClinVar contains an entry for this variant (Variation ID: 1036075). Invitae Evidence Modeling of protein sequence and biophysical properties (such as structural, functional, and spatial information, amino acid conservation, physicochemical variation, residue mobility, and thermodynamic stability) indicates that this missense variant is not expected to disrupt MET protein function with a negative predictive value of 80%. In summary, the available evidence is currently insufficient to determine the role of this variant in disease. Therefore, it has been classified as a Variant of Uncertain Significance.

GeneDx
Classification: Uncertain significance. Last evaluated: 2023-05-15. Review status: criteria provided, single submitter. Criteria: GeneDx Variant Classification Process June 2021. Collection method: clinical testing. Allele origin: germline. Affected: yes.
Comment: Not observed at significant frequency in large population cohorts (gnomAD); In silico analysis supports that this missense variant does not alter protein structure/function; Has not been previously published as pathogenic or benign to our knowledge